The following is an entry in ClinVar:

NM_025099.6(CTC1):c.3151C>T (p.Arg1051Trp)

Gene: CTC1 (CST telomere replication complex component 1; minus strand). Cytogenetic location: 17p13.1.
Variant type: single nucleotide variant.
Coding change: c.3151C>T on transcript NM_025099.6 (MANE Select); coding-DNA position 3151, C replaced by T.
Protein change: p.Arg1051Trp; replaces arginine 1051 with tryptophan.
Molecular consequence: missense variant. On other transcripts: non-coding transcript variant (1).
Genome position (GRCh38, 1-based): chr17:8,229,307, G>A on the plus strand (C>T on the coding strand, the complement: CTC1 is on the minus strand). VCF-style: chr17-8229307-G-A. GRCh37 (hg19) VCF-style: chr17-8132625-G-A.
Other names: p.Arg1051Trp; short protein forms R1051W.
Identifiers: ClinVar variation 850137 (VCV000850137.11), dbSNP rs370674203, ClinGen allele CA8371876.
Genomic context (GRCh38, chr17:8,229,307, plus strand): 5'-ATCACATCCCTCTGGCACTCCATACTCAGTTCAGCCTGTTCCTTCCCTCCCTTACCTGCC[G>A]GCAGATGCTGGTACAATAAGCACACACCCAGAAGAGCTGAAGGCTGAAGACAGAGACGAT-3'
Protein context (NP_079375.3, residues 1041-1061): WVCAYCTSIC[Arg1051Trp]QGKCTRLGST

ClinVar aggregate classification (germline): Uncertain significance. Review status: criteria provided, multiple submitters, no conflicts (2 of 4 stars). 6 submissions from 6 submitters: Uncertain significance (6). Last evaluated 2025-10-31.

Conditions:
Inborn genetic diseases. Identifiers: MedGen C0950123, MeSH D030342.
CTC1-related disorder. Also called: CTC1-related condition.
Dyskeratosis congenita. Identifiers: Orphanet 1775, MedGen C0265965, MONDO:0015780.

Allele frequency attached by ClinVar (database versions not stated): gnomAD exomes 0.00002 and 0.00003; ExAC 0.00005; gnomAD 0.00012 and 0.00014; TOPMed 0.00014; ESP Exome Variant Server 0.00024.
gnomAD v4.1: 41 of 1,614,020 alleles (0.0025%); highest among the groups gnomAD compares: African/African-American, 0.025%; no homozygotes.

Submissions (6):

PreventionGenetics, part of Exact Sciences
Classification: Uncertain significance for CTC1-related condition. Last evaluated: 2025-10-31. Review status: criteria provided, single submitter. Criteria: ACMG Guidelines, 2015. Collection method: clinical testing. Allele origin: germline.
Comment: The CTC1 c.3151C>T variant is predicted to result in the amino acid substitution p.Arg1051Trp. To our knowledge, this variant has not been reported in the literature. This variant is reported in 0.033% of alleles in individuals of African descent in gnomAD. At this time, the clinical significance of this variant is uncertain due to the absence of conclusive functional and genetic evidence.

Mayo Clinic Laboratories, Mayo Clinic
Classification: Uncertain significance. Last evaluated: 2025-09-19. Review status: criteria provided, single submitter. Criteria: ACMG Guidelines, 2015. Collection method: clinical testing. Allele origin: germline. Observed: 1 variant allele.
Comment: PM2_supporting

Women's Health and Genetics/Laboratory Corporation of America, LabCorp
Classification: Uncertain significance. Last evaluated: 2025-05-20. Review status: criteria provided, single submitter. Criteria: LabCorp Variant Classification Summary - May 2015. Collection method: clinical testing. Allele origin: germline.
Comment: Variant summary: CTC1 c.3151C>T (p.Arg1051Trp) results in a non-conservative amino acid change in the encoded protein sequence. Algorithms developed to predict the effect of missense changes on protein structure and function are either unavailable or do not agree on the potential impact of this missense change. The variant allele was found at a frequency of 3.2e-05 in 249488 control chromosomes. The available data on variant occurrences in the general population are insufficient to allow any conclusion about variant significance. To our knowledge, no occurrence of c.3151C>T in individuals affected with Cerebroretinal Microangiopathy With Calcifications And Cysts 1 and no experimental evidence demonstrating its impact on protein function have been reported. ClinVar contains an entry for this variant (Variation ID: 850137). Based on the evidence outlined above, the variant was classified as uncertain significance.

GeneDx
Classification: Uncertain significance. Last evaluated: 2024-04-16. Review status: criteria provided, single submitter. Criteria: GeneDx Variant Classification Process June 2021. Collection method: clinical testing. Allele origin: germline. Affected: yes.
Comment: In silico analysis indicates that this missense variant does not alter protein structure/function; Has not been previously published as pathogenic or benign to our knowledge

Labcorp Genetics (formerly Invitae), Labcorp
Classification: Uncertain significance for Dyskeratosis congenita. Last evaluated: 2022-09-07. Review status: criteria provided, single submitter. Criteria: Invitae Variant Classification Sherloc (09022015). Collection method: clinical testing. Allele origin: germline.
Comment: This sequence change replaces arginine, which is basic and polar, with tryptophan, which is neutral and slightly polar, at codon 1051 of the CTC1 protein (p.Arg1051Trp). This variant is present in population databases (rs370674203, gnomAD 0.03%). This variant has not been reported in the literature in individuals affected with CTC1-related conditions. ClinVar contains an entry for this variant (Variation ID: 850137). Algorithms developed to predict the effect of missense changes on protein structure and function are either unavailable or do not agree on the potential impact of this missense change (SIFT: "Deleterious"; PolyPhen-2: "Possibly Damaging"; Align-GVGD: "Class C0"). In summary, the available evidence is currently insufficient to determine the role of this variant in disease. Therefore, it has been classified as a Variant of Uncertain Significance.

Ambry Genetics
Classification: Uncertain significance for Inborn genetic diseases. Last evaluated: 2022-02-26. Review status: criteria provided, single submitter. Criteria: Ambry Variant Classification Scheme 2023. Collection method: clinical testing. Allele origin: germline.